The following is an entry in ClinVar:

NM_001605.3(AARS1):c.723G>T (p.Gly241=)

Gene: AARS1 (alanyl-tRNA synthetase 1; minus strand). Cytogenetic location: 16q22.1.
Variant type: single nucleotide variant.
Coding change: c.723G>T on transcript NM_001605.3 (MANE Select); coding-DNA position 723, G replaced by T.
Protein change: p.Gly241=; no amino-acid change (glycine 241 retained).
Molecular consequence: synonymous variant.
Genome position (GRCh38, 1-based): chr16:70,270,289, C>A on the plus strand (G>T on the coding strand, the complement: AARS1 is on the minus strand). VCF-style: chr16-70270289-C-A. GRCh37 (hg19) VCF-style: chr16-70304192-C-A.
Identifiers: ClinVar variation 3729999 (VCV003729999.2).

ClinVar aggregate classification (germline): Uncertain significance (1 of 4 stars; one submission).

Conditions:
Charcot-Marie-Tooth disease type 2. Also called: Charcot-Marie-Tooth type 2. Identifiers: Orphanet 64746, MedGen C0270914, MONDO:0018993.

gnomAD v4.1: 1 of 1,614,144 alleles (0.000062%); highest among the groups gnomAD compares: Non-Finnish European, 0.000085%; no homozygotes.

Submission:

Labcorp Genetics (formerly Invitae), Labcorp
Classification: Uncertain significance for Charcot-Marie-Tooth disease type 2. Last evaluated: 2024-07-16. Review status: criteria provided, single submitter. Criteria: Invitae Variant Classification Sherloc (09022015). Collection method: clinical testing. Allele origin: germline.
Comment: This sequence change affects codon 241 of the AARS mRNA. It is a 'silent' change, meaning that it does not change the encoded amino acid sequence of the AARS protein. This variant is not present in population databases (gnomAD no frequency). This variant has not been reported in the literature in individuals affected with AARS-related conditions. Algorithms developed to predict the effect of sequence changes on RNA splicing suggest that this variant may disrupt the consensus splice site. In summary, the available evidence is currently insufficient to determine the role of this variant in disease. Therefore, it has been classified as a Variant of Uncertain Significance.